The following is an entry in ClinVar:

NM_000138.5(FBN1):c.4661G>A (p.Gly1554Glu)

Gene: FBN1 (fibrillin 1; minus strand). Cytogenetic location: 15q21.1.
Variant type: single nucleotide variant.
Coding change: c.4661G>A on transcript NM_000138.5 (MANE Select); coding-DNA position 4661, G replaced by A.
Protein change: p.Gly1554Glu; replaces glycine 1554 with glutamic acid.
Molecular consequence: missense variant.
Genome position (GRCh38, 1-based): chr15:48,468,024, C>T on the plus strand (G>A on the coding strand, the complement: FBN1 is on the minus strand). VCF-style: chr15-48468024-C-T. GRCh37 (hg19) VCF-style: chr15-48760221-C-T.
Other names: c.4661G>A, p.Gly1554Glu (NM_001406716.1); short protein forms G1554E.
Identifiers: ClinVar variation 3070841 (VCV003070841.1), dbSNP rs2043337417, ClinGen allele CA392353021.

ClinVar aggregate classification (germline): Uncertain significance (1 of 4 stars; one submission).

Conditions:
Marfan syndrome (MFS). Also called: MARFAN SYNDROME, TYPE I; Marfan syndrome type 1; Marfan's syndrome; Marfan syndrome, classic; FBN1-Related Marfan Syndrome. Identifiers: Orphanet 284963, Orphanet 558, MedGen C0024796, MONDO:0007947, OMIM 154700.

Submission:

All of Us Research Program, National Institutes of Health
Classification: Uncertain significance for Marfan syndrome. Last evaluated: 2023-05-04. Review status: criteria provided, single submitter. Criteria: ACMG Guidelines, 2015. Collection method: clinical testing. Allele origin: germline. Inheritance: Autosomal dominant inheritance. Observed: 1 variant allele, 1 heterozygote.
Comment: This missense variant replaces glycine with glutamic acid at codon 1554 of the FBN1 protein. Computational prediction suggests that this variant may have deleterious impact on protein structure and function (internally defined REVEL score threshold >= 0.7, PMID: 27666373). To our knowledge, functional studies have not been reported for this variant. This variant has not been reported in individuals affected with FBN1-related disorders in the literature. This variant has not been identified in the general population by the Genome Aggregation Database (gnomAD). The available evidence is insufficient to determine the role of this variant in disease conclusively. Therefore, this variant is classified as a Variant of Uncertain Significance.

This study involves interpretation of variants in research participants for the purpose of population health screening. Participant phenotype was not available at the time of variant classification. Additional details can be found in publication PMID: 35346344, PMCID: PMC8962531